The following is an entry in ClinVar:

ClinVar aggregate classification (germline): Uncertain significance (1 of 4 stars; one submission).

Conditions:
Exostoses, multiple, type 2 (EXT2). Also called: Hereditary Multiple Osteochondromatosis, Type II; EXOSTOSES, MULTIPLE, TYPE II. Identifiers: Orphanet 321, MedGen C1851413, MONDO:0007586, OMIM 133701.

Submission:

Labcorp Genetics (formerly Invitae), Labcorp
Classification: Uncertain significance for Exostoses, multiple, type 2. Last evaluated: 2024-03-03. Review status: criteria provided, single submitter. Criteria: Invitae Variant Classification Sherloc (09022015). Collection method: clinical testing. Allele origin: germline.
Comment: This sequence change replaces alanine, which is neutral and non-polar, with valine, which is neutral and non-polar, at codon 73 of the EXT2 protein (p.Ala73Val). This variant is not present in population databases (gnomAD no frequency). This variant has not been reported in the literature in individuals affected with EXT2-related conditions. Advanced modeling of protein sequence and biophysical properties (such as structural, functional, and spatial information, amino acid conservation, physicochemical variation, residue mobility, and thermodynamic stability) performed at Invitae indicates that this missense variant is not expected to disrupt EXT2 protein function with a negative predictive value of 80%. In summary, the available evidence is currently insufficient to determine the role of this variant in disease. Therefore, it has been classified as a Variant of Uncertain Significance.

NM_207122.2(EXT2):c.218C>T (p.Ala73Val)

Gene: EXT2 (exostosin glycosyltransferase 2; plus strand). Cytogenetic location: 11p11.2.
Variant type: single nucleotide variant.
Coding change: c.218C>T on transcript NM_207122.2 (MANE Select); coding-DNA position 218, C replaced by T.
Protein change: p.Ala73Val; replaces alanine 73 with valine.
Molecular consequence: missense variant.
Genome position (GRCh38, 1-based): chr11:44,107,930, C>T. VCF-style: chr11-44107930-C-T. GRCh37 (hg19) VCF-style: chr11-44129480-C-T.
Other names: c.317C>T, p.Ala106Val (NM_000401.3); c.218C>T, p.Ala73Val (NM_001178083.3, NM_001389628.1, NM_001389630.1); short protein forms A106V, A73V.
Identifiers: ClinVar variation 3621864 (VCV003621864.2).
Genomic context (GRCh38, chr11:44,107,930, plus strand): 5'-CAAATGACTGGAATGTAGAGAAGCGCAGCATCCGTGATGTGCCGGTTGTTAGGCTGCCAG[C>T]CGACAGTCCCATCCCAGAGCGGGGGGATCTCAGTTGCAGAATGCACACGTGTTTTGATGT-3'
Protein context (NP_997005.1, residues 63-83): IRDVPVVRLP[Ala73Val]DSPIPERGDL